The following is an entry in ClinVar:

NM_001127511.3(APC):c.-15G>A

Gene: APC (APC regulator of Wnt signaling pathway; plus strand). Cytogenetic location: 5q22.2.
Variant type: single nucleotide variant.
Coding change: c.-15G>A on transcript NM_001127511.3; 15 bases upstream of the start codon, G replaced by A.
Molecular consequence: 5 prime UTR variant. On other transcripts: non-coding transcript variant (1), intron variant (5).
Genome position (GRCh38, 1-based): chr5:112,707,703, G>A. VCF-style: chr5-112707703-G-A. GRCh37 (hg19) VCF-style: chr5-112043400-G-A.
Other names: c.-198G>A (NM_001354895.2, NM_001407447.1, NM_001407452.1 and 3 more transcripts); c.-15G>A (NM_001354897.2, NM_001354902.2, NM_001407446.1); c.-1233G>A (NM_001407470.1, NM_001407472.1); c.-19+54G>A (NM_001407448.1, NM_001407450.1, NM_001407457.1 and 1 more transcripts); c.-43+54G>A (NM_001407453.1).
Identifiers: ClinVar variation 1977592 (VCV001977592.5), dbSNP rs2149630341, ClinGen allele CA2580072322.

ClinVar aggregate classification (germline): Uncertain significance (1 of 4 stars; one submission).

Conditions:
Familial adenomatous polyposis 1 (FAP1). Also called: FAMILIAL ADENOMATOUS POLYPOSIS 1, ATTENUATED; POLYPOSIS, ADENOMATOUS INTESTINAL. Identifiers: MedGen C2713442, MONDO:0021056, OMIM 175100. Disease mechanism: loss of function.

Allele frequency attached by ClinVar (database versions not stated): gnomAD exomes below 0.00001.

Submission:

Labcorp Genetics (formerly Invitae), Labcorp
Classification: Uncertain significance for Familial adenomatous polyposis 1. Last evaluated: 2024-12-02. Review status: criteria provided, single submitter. Criteria: Invitae Variant Classification Sherloc (09022015). Collection method: clinical testing. Allele origin: germline.
Comment: This variant occurs in a non-coding region of the APC gene. It does not change the encoded amino acid sequence of the APC protein. This variant is not present in population databases (gnomAD no frequency). This variant has not been reported in the literature in individuals affected with APC-related conditions. Experimental studies and prediction algorithms are not available or were not evaluated, and the functional significance of this variant is currently unknown. In summary, the available evidence is currently insufficient to determine the role of this variant in disease. Therefore, it has been classified as a Variant of Uncertain Significance.